The following is an entry in ClinVar:

ClinVar aggregate classification (germline): Uncertain significance (1 of 4 stars; one submission).

Conditions:
Curry-Hall syndrome (WAD). Also called: WEYERS ACRODENTAL DYSOSTOSIS. Identifiers: Orphanet 952, MedGen C0457013, MONDO:0008673, OMIM 193530.
Ellis-van Creveld syndrome (EVC). Also called: EVC-Related Ellis-van Creveld Syndrome; EVC2-Related Ellis-van Creveld Syndrome; MESOECTODERMAL DYSPLASIA; Chondroectodermal dysplasia. Identifiers: Orphanet 289, MedGen C0013903, MONDO:0009162, OMIM 225500.

Submission:

Labcorp Genetics (formerly Invitae), Labcorp
Classification: Uncertain significance for Curry-Hall syndrome; Ellis-van Creveld syndrome. Last evaluated: 2023-05-24. Review status: criteria provided, single submitter. Criteria: Invitae Variant Classification Sherloc (09022015). Collection method: clinical testing. Allele origin: germline.
Comment: In summary, the available evidence is currently insufficient to determine the role of this variant in disease. Therefore, it has been classified as a Variant of Uncertain Significance. An algorithm developed to predict the effect of missense changes on protein structure and function (PolyPhen-2) suggests that this variant is likely to be disruptive. This variant has not been reported in the literature in individuals affected with EVC2-related conditions. This variant is not present in population databases (gnomAD no frequency). This sequence change replaces serine, which is neutral and polar, with cysteine, which is neutral and slightly polar, at codon 282 of the EVC2 protein (p.Ser282Cys).

NM_147127.5(EVC2):c.845C>G (p.Ser282Cys)

Gene: EVC2 (EvC ciliary complex subunit 2; minus strand). Cytogenetic location: 4p16.2.
Variant type: single nucleotide variant.
Coding change: c.845C>G on transcript NM_147127.5 (MANE Select); coding-DNA position 845, C replaced by G.
Protein change: p.Ser282Cys; replaces serine 282 with cysteine.
Molecular consequence: missense variant.
Genome position (GRCh38, 1-based): chr4:5,681,285, G>C on the plus strand (C>G on the coding strand, the complement: EVC2 is on the minus strand). VCF-style: chr4-5681285-G-C. GRCh37 (hg19) VCF-style: chr4-5683012-G-C.
Other names: c.605C>G, p.Ser202Cys (NM_001166136.2); short protein forms S282C, S202C.
Identifiers: ClinVar variation 2948188 (VCV002948188.3), dbSNP rs2475566011, ClinGen allele CA356145764.